The following is an entry in ClinVar:

NM_001130987.2(DYSF):c.2612G>C (p.Arg871Pro)

Gene: DYSF (dysferlin; plus strand). Cytogenetic location: 2p13.2.
Variant type: single nucleotide variant.
Coding change: c.2612G>C on transcript NM_001130987.2 (MANE Select); coding-DNA position 2612, G replaced by C.
Protein change: p.Arg871Pro; replaces arginine 871 with proline.
Molecular consequence: missense variant.
Genome position (GRCh38, 1-based): chr2:71,567,997, G>C. VCF-style: chr2-71567997-G-C. GRCh37 (hg19) VCF-style: chr2-71795127-G-C.
Other names: c.2561G>C, p.Arg854Pro (NM_001130455.2, NM_001130983.2); c.2516G>C, p.Arg839Pro (NM_001130976.2, NM_001130977.2); c.2558G>C, p.Arg853Pro (NM_001130978.2, NM_003494.4); c.2651G>C, p.Arg884Pro (NM_001130979.2); c.2609G>C, p.Arg870Pro (NM_001130980.2, NM_001130981.2); c.2654G>C, p.Arg885Pro (NM_001130982.2); c.2519G>C, p.Arg840Pro (NM_001130984.2, NM_001130986.2); c.2612G>C, p.Arg871Pro (NM_001130985.2); short protein forms R853P, R871P, R840P, R839P, R870P, R854P, R884P, R885P.
Identifiers: ClinVar variation 538627 (VCV000538627.8), dbSNP rs779790516, ClinGen allele CA347213398.

ClinVar aggregate classification (germline): Uncertain significance (1 of 4 stars; one submission).

Conditions:
Neuromuscular disease caused by qualitative or quantitative defects of dysferlin. Also called: Dysferlinopathy; Qualitative or quantitative defects of dysferlin. Identifiers: Orphanet 207073, MedGen C2931687, MONDO:0016145.

gnomAD v4.1: 1 of 1,614,128 alleles (0.000062%); highest among the groups gnomAD compares: Non-Finnish European, 0.000085%; no homozygotes.

Submission:

Labcorp Genetics (formerly Invitae), Labcorp
Classification: Uncertain significance for Neuromuscular disease caused by qualitative or quantitative defects of dysferlin. Last evaluated: 2017-10-06. Review status: criteria provided, single submitter. Criteria: Invitae Variant Classification Sherloc (09022015). Collection method: clinical testing. Allele origin: germline.
Comment: In summary, the available evidence is currently insufficient to determine the role of this variant in disease. Therefore, it has been classified as a Variant of Uncertain Significance. Algorithms developed to predict the effect of missense changes on protein structure and function do not agree on the potential impact of this missense change (SIFT: "Deleterious"; PolyPhen-2: "Probably Damaging"; Align-GVGD: "Class C0"). This variant has not been reported in the literature in individuals with DYSF-related disease. This variant is not present in population databases (ExAC no frequency). This sequence change replaces arginine with proline at codon 853 of the DYSF protein (p.Arg853Pro). The arginine residue is moderately conserved and there is a moderate physicochemical difference between arginine and proline.